The following is an entry in ClinVar:

NM_004415.4(DSP):c.1165G>A (p.Glu389Lys)

Gene: DSP (desmoplakin; plus strand). Cytogenetic location: 6p24.3.
Variant type: single nucleotide variant.
Coding change: c.1165G>A on transcript NM_004415.4 (MANE Select); coding-DNA position 1165, G replaced by A.
Protein change: p.Glu389Lys; replaces glutamic acid 389 with lysine.
Molecular consequence: missense variant.
Genome position (GRCh38, 1-based): chr6:7,567,805, G>A. VCF-style: chr6-7567805-G-A. GRCh37 (hg19) VCF-style: chr6-7568038-G-A.
Other names: c.1165G>A, p.Glu389Lys (NM_001008844.3, NM_001319034.2); short protein forms E389K.
Identifiers: ClinVar variation 962904 (VCV000962904.11), dbSNP rs1758909720, ClinGen allele CA362675997.

ClinVar aggregate classification (germline): Uncertain significance. Review status: criteria provided, multiple submitters, no conflicts (2 of 4 stars). 2 submissions from 2 submitters: Uncertain significance (2). Last evaluated 2023-06-08.

Conditions:
Arrhythmogenic cardiomyopathy with wooly hair and keratoderma. Also called: Carvajal syndrome; Arrhythmogenic cardiomyopathy with woolly hair and keratoderma; Dilated cardiomyopathy with woolly hair and keratoderma; PALMOPLANTAR KERATODERMA WITH LEFT VENTRICULAR CARDIOMYOPATHY AND WOOLLY HAIR. Identifiers: Orphanet 65282, MedGen C1854063, MONDO:0011581, OMIM 605676.
Arrhythmogenic right ventricular dysplasia 8 (ARVD8). Also called: ARRHYTHMOGENIC RIGHT VENTRICULAR CARDIOMYOPATHY 8; Arrhythmogenic Right Ventricular Dysplasia/Cardiomyopathy 8; ARRHYTHMOGENIC RIGHT VENTRICULAR DYSPLASIA, FAMILIAL, 8. Identifiers: MedGen C1843896, MONDO:0011831, OMIM 607450.

Submissions (2):

All of Us Research Program, National Institutes of Health
Classification: Uncertain significance for Arrhythmogenic cardiomyopathy with wooly hair and keratoderma. Last evaluated: 2023-06-08. Review status: criteria provided, single submitter. Criteria: ACMG Guidelines, 2015. Collection method: clinical testing. Allele origin: germline. Inheritance: Autosomal dominant inheritance. Observed: 1 variant allele, 1 heterozygote.
Comment: This missense variant replaces glutamic acid with lysine at codon 389 of the DSP protein. Computational prediction is inconclusive regarding the impact of this variant on protein structure and function (internally defined REVEL score threshold 0.5 < inconclusive < 0.7, PMID: 27666373). To our knowledge, functional studies have not been reported for this variant. This variant has not been reported in individuals affected with DSP-related disorders in the literature. This variant has not been identified in the general population by the Genome Aggregation Database (gnomAD). The available evidence is insufficient to determine the role of this variant in disease conclusively. Therefore, this variant is classified as a Variant of Uncertain Significance.

This study involves interpretation of variants in research participants for the purpose of population health screening. Participant phenotype was not available at the time of variant classification. Additional details can be found in publication PMID: 35346344, PMCID: PMC8962531

Labcorp Genetics (formerly Invitae), Labcorp
Classification: Uncertain significance for Arrhythmogenic cardiomyopathy with wooly hair and keratoderma; Arrhythmogenic right ventricular dysplasia 8. Last evaluated: 2019-09-29. Review status: criteria provided, single submitter. Criteria: Invitae Variant Classification Sherloc (09022015). Collection method: clinical testing. Allele origin: germline.
Comment: In summary, the available evidence is currently insufficient to determine the role of this variant in disease. Therefore, it has been classified as a Variant of Uncertain Significance. Algorithms developed to predict the effect of missense changes on protein structure and function are either unavailable or do not agree on the potential impact of this missense change (SIFT: "Tolerated"; PolyPhen-2: "Probably Damaging"; Align-GVGD: "Class C0"). This variant has not been reported in the literature in individuals with DSP-related conditions. This variant is not present in population databases (ExAC no frequency). This sequence change replaces glutamic acid with lysine at codon 389 of the DSP protein (p.Glu389Lys). The glutamic acid residue is highly conserved and there is a small physicochemical difference between glutamic acid and lysine.